The following is an entry in ClinVar:

ClinVar aggregate classification (germline): Uncertain significance. Review status: criteria provided, multiple submitters, no conflicts (2 of 4 stars). 2 submissions from 2 submitters: Uncertain significance (2). Last evaluated 2024-05-12.

Allele frequency attached by ClinVar (database versions not stated): gnomAD 0.00001; ExAC 0.00002; gnomAD exomes 0.00002; TOPMed 0.00002; ESP Exome Variant Server 0.00008.

Submissions (2):

Ambry Genetics
Classification: Uncertain significance. Last evaluated: 2024-05-12. Review status: criteria provided, single submitter. Criteria: Ambry Variant Classification Scheme 2023. Collection method: clinical testing. Allele origin: germline.

Labcorp Genetics (formerly Invitae), Labcorp
Classification: Uncertain significance. Last evaluated: 2023-04-17. Review status: criteria provided, single submitter. Criteria: Invitae Variant Classification Sherloc (09022015). Collection method: clinical testing. Allele origin: germline.
Comment: This sequence change replaces arginine, which is basic and polar, with histidine, which is basic and polar, at codon 263 of the KCNK4 protein (p.Arg263His). This variant is present in population databases (rs376878565, gnomAD 0.006%). This variant has not been reported in the literature in individuals affected with KCNK4-related conditions. ClinVar contains an entry for this variant (Variation ID: 1358347). An algorithm developed to predict the effect of missense changes on protein structure and function (PolyPhen-2) suggests that this variant is likely to be disruptive. In summary, the available evidence is currently insufficient to determine the role of this variant in disease. Therefore, it has been classified as a Variant of Uncertain Significance.

NM_033310.3(KCNK4):c.788G>A (p.Arg263His)

Genes: KCNK4 (potassium two pore domain channel subfamily K member 4; plus strand), KCNK4-CATSPERZ (KCNK4-CATSPERZ readthrough (NMD candidate); plus strand). Cytogenetic location: 11q13.1.
Variant type: single nucleotide variant.
Coding change: c.788G>A on transcript NM_033310.3 (MANE Select); coding-DNA position 788, G replaced by A.
Protein change: p.Arg263His; replaces arginine 263 with histidine.
Molecular consequence: missense variant. On other transcripts: non-coding transcript variant (3).
Genome position (GRCh38, 1-based): chr11:64,298,236, G>A. VCF-style: chr11-64298236-G-A. GRCh37 (hg19) VCF-style: chr11-64065708-G-A.
Other names: c.788G>A, p.Arg263His (NM_001317090.2); c.788G>A (NM_033310.2); short protein forms R263H.
Identifiers: ClinVar variation 1358347 (VCV001358347.7), dbSNP rs376878565, ClinGen allele CA6073171.